The following is an entry in ClinVar:

NM_145290.4(ADGRA3):c.1086A>G (p.Arg362=)

Gene: ADGRA3 (adhesion G protein-coupled receptor A3; minus strand). Cytogenetic location: 4p15.2.
Variant type: single nucleotide variant.
Coding change: c.1086A>G on transcript NM_145290.4 (MANE Select); coding-DNA position 1086, A replaced by G.
Protein change: p.Arg362=; no amino-acid change (arginine 362 retained).
Molecular consequence: synonymous variant.
Genome position (GRCh38, 1-based): chr4:22,436,641, T>C on the plus strand (A>G on the coding strand, the complement: ADGRA3 is on the minus strand). VCF-style: chr4-22436641-T-C. GRCh37 (hg19) VCF-style: chr4-22438264-T-C.
Other names: c.1086A>G (NM_145290.2).
Identifiers: ClinVar variation 1039858 (VCV001039858.10), dbSNP rs372946484, ClinGen allele CA2874041.

ClinVar aggregate classification (germline): Conflicting classifications of pathogenicity. Review status: criteria provided, conflicting classifications (1 of 4 stars). 2 submissions from 2 submitters: Uncertain significance (1); Likely benign (1). Last evaluated 2024-08-27.

Allele frequency attached by ClinVar (database versions not stated): ExAC 0.00001; gnomAD 0.00001; gnomAD exomes 0.00001; TOPMed 0.00001; ESP Exome Variant Server 0.00008.
gnomAD v4.1: 20 of 1,613,432 alleles (0.0012%); highest among the groups gnomAD compares: Non-Finnish European, 0.0016%; no homozygotes.

Submissions (2):

Labcorp Genetics (formerly Invitae), Labcorp
Classification: Uncertain significance. Last evaluated: 2024-08-27. Review status: criteria provided, single submitter. Criteria: Invitae Variant Classification Sherloc (09022015). Collection method: clinical testing. Allele origin: germline.
Comment: This sequence change affects codon 362 of the ADGRA3 mRNA. It is a 'silent' change, meaning that it does not change the encoded amino acid sequence of the ADGRA3 protein. It affects a nucleotide within the consensus splice site. This variant is present in population databases (rs372946484, gnomAD 0.004%). This variant has not been reported in the literature in individuals affected with ADGRA3-related conditions. ClinVar contains an entry for this variant (Variation ID: 1039858). Algorithms developed to predict the effect of sequence changes on RNA splicing suggest that this variant is not likely to affect RNA splicing. In summary, the available evidence is currently insufficient to determine the role of this variant in disease. Therefore, it has been classified as a Variant of Uncertain Significance.

Ambry Genetics
Classification: Likely benign. Last evaluated: 2023-12-21. Review status: criteria provided, single submitter. Criteria: Ambry Variant Classification Scheme 2023. Collection method: clinical testing. Allele origin: germline.